The following is an entry in ClinVar:

NM_006182.4(DDR2):c.187C>G (p.Leu63Val)

Gene: DDR2 (discoidin domain receptor tyrosine kinase 2; plus strand). Cytogenetic location: 1q23.3.
Variant type: single nucleotide variant.
Coding change: c.187C>G on transcript NM_006182.4 (MANE Select); coding-DNA position 187, C replaced by G.
Protein change: p.Leu63Val; replaces leucine 63 with valine.
Molecular consequence: missense variant.
Genome position (GRCh38, 1-based): chr1:162,754,625, C>G. VCF-style: chr1-162754625-C-G. GRCh37 (hg19) VCF-style: chr1-162724415-C-G.
Other names: c.187C>G (NM_006182.2); c.187C>G, p.Leu63Val (LRG_1390t1, NM_001014796.3, NM_001354982.2 and 1 more transcripts); short protein forms L63V.
Identifiers: ClinVar variation 376140 (VCV000376140.8), dbSNP rs144594252, ClinGen allele CA1217196.

ClinVar aggregate classification (germline): Uncertain significance. Review status: criteria provided, multiple submitters, no conflicts (2 of 4 stars). 2 submissions from 2 submitters: Uncertain significance (2). Last evaluated 2025-12-24.

Allele frequency attached by ClinVar (database versions not stated): gnomAD 0.00006; TOPMed 0.00006; ExAC 0.00007; gnomAD exomes 0.00007; ESP Exome Variant Server 0.00008; 1000 Genomes Project 30x 0.00016; 1000 Genomes Project 0.00020.

Submissions (2):

Labcorp Genetics (formerly Invitae), Labcorp
Classification: Uncertain significance. Last evaluated: 2025-12-24. Review status: criteria provided, single submitter. Criteria: Invitae Variant Classification Sherloc (09022015). Collection method: clinical testing. Allele origin: germline.
Comment: This sequence change replaces leucine, which is neutral and non-polar, with valine, which is neutral and non-polar, at codon 63 of the DDR2 protein (p.Leu63Val). This variant is present in population databases (rs144594252, gnomAD 0.01%). This variant has not been reported in the literature in individuals affected with DDR2-related conditions. ClinVar contains an entry for this variant (Variation ID: 376140). An algorithm developed to predict the effect of missense changes on protein structure and function (PolyPhen-2) suggests that this variant is likely to be disruptive. Experimental studies have shown that this missense change affects DDR2 function (PMID: 22328973). In summary, the available evidence is currently insufficient to determine the role of this variant in disease. Therefore, it has been classified as a Variant of Uncertain Significance.

Women's Health and Genetics/Laboratory Corporation of America, LabCorp
Classification: Uncertain significance. Last evaluated: 2023-08-02. Review status: criteria provided, single submitter. Criteria: LabCorp Variant Classification Summary - May 2015. Collection method: clinical testing. Allele origin: germline.
Comment: Variant summary: DDR2 c.187C>G (p.Leu63Val) results in a conservative amino acid change located in the Coagulation factor 5/8 C-terminal domain (IPR000421) of the encoded protein sequence. Three of five in-silico tools predict a damaging effect of the variant on protein function. The variant allele was found at a frequency of 6.8e-05 in 250894 control chromosomes (gnomAD). To our knowledge, no occurrence of c.187C>G in individuals affected with Spondyloepimetaphyseal dysplasia-short limb-abnormal calcification syndrome has been reported. Publications report experimental evidence evaluating an impact on protein function in the context of oncogenesis, finding that cells with the variant show a gain-of-function and tumorigenic effect (Hammerman_2011, Xu_2015). The following publications have been ascertained in the context of this evaluation (PMID: 22328973, 26206333). One submitter has cited a clinical-significance assessment for this variant to ClinVar after 2014 and has classified the variant as uncertain significance. Based on the evidence outlined above, the variant was classified as uncertain significance.

Literature cited by the submitters: PubMed 22328973 (cited by Labcorp Genetics (formerly Invitae), Labcorp and Women's Health and Genetics/Laboratory Corporation of America, LabCorp); PubMed 26206333 (cited by Women's Health and Genetics/Laboratory Corporation of America, LabCorp).